The following is an entry in ClinVar:

ClinVar aggregate classification (germline): Pathogenic (1 of 4 stars; one submission).

Submission:

GeneDx
Classification: Pathogenic. Last evaluated: 2018-06-18. Review status: criteria provided, single submitter. Criteria: GeneDx Variant Classification (06012015). Collection method: clinical testing. Allele origin: germline. Affected: yes.
Comment: The c.2162_2168delAGGGCCT pathogenic variant in the DNMT3A gene causes a frameshift starting with codon Lysine721, changes this amino acid to a Threonine residue and creates a premature Stop codon at position 56 of the new reading frame, denoted p.Lys721ThrfsX56. This pathogenic variant is predicted to cause loss of normal protein function either through protein truncation or nonsense-mediated mRNA decay. The c.2162_2168delAGGGCCT variant is not observed in large population cohorts (Lek et al., 2016).

NM_022552.5(DNMT3A):c.2162_2168del (p.Lys721fs)

Gene: DNMT3A (DNA methyltransferase 3 alpha; minus strand). Cytogenetic location: 2p23.3.
Variant type: Deletion.
Coding change: c.2162_2168del on transcript NM_022552.5 (MANE Select); coding-DNA positions 2162 to 2168, 7 bases deleted (AGGGCCT; older notation c.2162_2168delAGGGCCT).
Protein change: p.Lys721fs; shifts the reading frame from lysine 721.
Molecular consequence: frameshift variant. On other transcripts: non-coding transcript variant (1).
Genome position (GRCh38, 1-based): chr2:25,240,645-25,240,651, AGGCCCT deleted on the plus strand (AGGGCCT on the coding strand, the reverse complement: DNMT3A is on the minus strand). VCF-style (leftmost placement, unchanged base first): chr2-25240644-GAGGCCCT-G. GRCh37 (hg19) VCF-style: chr2-25463513-GAGGCCCT-G.
Other names: c.1706_1712del, p.Lys569fs (NM_001320893.1); c.1493_1499del, p.Lys498fs (NM_001375819.1); c.1595_1601del, p.Lys532fs (NM_153759.3); c.2162_2168del, p.Lys721fs (NM_175629.2); c.2162_2168delAGGGCCT (NM_175629.2); short protein forms K498fs, K532fs, K721fs, K569fs.
Identifiers: ClinVar variation 817110 (VCV000817110.1), dbSNP rs1573313314, ClinGen allele CA915943705.